The following is an entry in ClinVar:

NM_001042545.2(LTBP4):c.2321G>T (p.Gly774Val)

Gene: LTBP4 (latent transforming growth factor beta binding protein 4; plus strand). Cytogenetic location: 19q13.2.
Variant type: single nucleotide variant.
Coding change: c.2321G>T on transcript NM_001042545.2 (MANE Select); coding-DNA position 2321, G replaced by T.
Protein change: p.Gly774Val; replaces glycine 774 with valine.
Molecular consequence: missense variant.
Genome position (GRCh38, 1-based): chr19:40,613,086, G>T. VCF-style: chr19-40613086-G-T. GRCh37 (hg19) VCF-style: chr19-41118992-G-T.
Other names: c.2522G>T, p.Gly841Val (NM_001042544.1); c.2411G>T, p.Gly804Val (NM_003573.2); short protein forms G774V, G804V, G841V.
Identifiers: ClinVar variation 3381453 (VCV003381453.1).
Genomic context (GRCh38, chr19:40,613,086, plus strand): 5'-CGAGACTGGACCCTTTCTGAACACCCCCACCCCCCACAGATGTGGACGAATGCAGTTCGG[G>T]TGCCCCTCCCTGTGGTCCCCACGGCCACTGCACTAACACCGAAGGCTCCTTCCGCTGCAG-3'
Protein context (NP_001036010.1, residues 764-784): RCTDVDECSS[Gly774Val]APPCGPHGHC

ClinVar aggregate classification (germline): Uncertain significance (1 of 4 stars; one submission).

gnomAD v4.1: 2 of 1,611,770 alleles (0.00012%); highest among the groups gnomAD compares: Non-Finnish European, 0.00017%; no homozygotes.

Submission:

GeneDx
Classification: Uncertain significance. Last evaluated: 2024-05-24. Review status: criteria provided, single submitter. Criteria: GeneDx Variant Classification Process June 2021. Collection method: clinical testing. Allele origin: germline. Affected: yes.
Comment: Not observed at significant frequency in large population cohorts (gnomAD); In silico analysis indicates that this missense variant does not alter protein structure/function; Has not been previously published as pathogenic or benign to our knowledge